The following is an entry in ClinVar:

ClinVar aggregate classification (germline): Conflicting classifications of pathogenicity. Review status: criteria provided, conflicting classifications (1 of 4 stars). 2 submissions from 2 submitters: Uncertain significance (1); Likely benign (1). Last evaluated 2025-07-08.

Allele frequency attached by ClinVar (database versions not stated): gnomAD 0.00001; gnomAD exomes 0.00001; TOPMed 0.00001.
gnomAD v4.1: 22 of 1,614,072 alleles (0.0014%); highest among the groups gnomAD compares: Non-Finnish European, 0.0018%; no homozygotes.

Submissions (2):

Labcorp Genetics (formerly Invitae), Labcorp
Classification: Likely benign. Last evaluated: 2025-07-08. Review status: criteria provided, single submitter. Criteria: Invitae Variant Classification Sherloc (09022015). Collection method: clinical testing. Allele origin: germline.

CeGaT Center for Human Genetics Tuebingen
Classification: Uncertain significance. Last evaluated: 2024-03-01. Review status: criteria provided, single submitter. Criteria: CeGaT Center For Human Genetics Tuebingen Variant Classification Criteria Version 2. Collection method: clinical testing. Allele origin: germline. Affected: yes. Observed: 1 variant allele.
Comment: TNFRSF11A: PM2, PM3:Supporting, BP4

NM_003839.4(TNFRSF11A):c.657C>T (p.Leu219=)

Gene: TNFRSF11A (TNF receptor superfamily member 11a; plus strand). Cytogenetic location: 18q21.33.
Variant type: single nucleotide variant.
Coding change: c.657C>T on transcript NM_003839.4 (MANE Select); coding-DNA position 657, C replaced by T.
Protein change: p.Leu219=; no amino-acid change (leucine 219 retained).
Molecular consequence: synonymous variant. On other transcripts: intron variant (1).
Genome position (GRCh38, 1-based): chr18:62,361,720, C>T. VCF-style: chr18-62361720-C-T. GRCh37 (hg19) VCF-style: chr18-60028953-C-T.
Other names: c.657C>T, p.Leu219= (NM_001270949.2, NM_001270950.2); c.615C>T, p.Leu205= (NM_001278268.2); c.616+1671C>T (NM_001270951.2).
Identifiers: ClinVar variation 1536058 (VCV001536058.29), dbSNP rs1274703528, ClinGen allele CA504079627.